The following is an entry in ClinVar:

NM_001846.4(COL4A2):c.2420T>G (p.Phe807Cys)

Gene: COL4A2 (collagen type IV alpha 2 chain; plus strand). Cytogenetic location: 13q34.
Variant type: single nucleotide variant.
Coding change: c.2420T>G on transcript NM_001846.4 (MANE Select); coding-DNA position 2420, T replaced by G.
Protein change: p.Phe807Cys; replaces phenylalanine 807 with cysteine.
Molecular consequence: missense variant.
Genome position (GRCh38, 1-based): chr13:110,473,145, T>G. VCF-style: chr13-110473145-T-G. GRCh37 (hg19) VCF-style: chr13-111125492-T-G.
Other names: c.2420T>G (NM_001846.2); short protein forms F807C.
Identifiers: ClinVar variation 3607884 (VCV003607884.3).

ClinVar aggregate classification (germline): Uncertain significance. Review status: criteria provided, multiple submitters, no conflicts (2 of 4 stars). 2 submissions from 2 submitters: Uncertain significance (2). Last evaluated 2025-02-19.

Conditions:
Inborn genetic diseases. Identifiers: MedGen C0950123, MeSH D030342.

gnomAD v4.1: 13 of 1,554,454 alleles (0.00084%); highest among the groups gnomAD compares: Admixed American, 0.0019%; no homozygotes.

Submissions (2):

Ambry Genetics
Classification: Uncertain significance for Inborn genetic diseases. Last evaluated: 2025-02-19. Review status: criteria provided, single submitter. Criteria: Ambry Variant Classification Scheme 2023. Collection method: clinical testing. Allele origin: germline.

Labcorp Genetics (formerly Invitae), Labcorp
Classification: Uncertain significance. Last evaluated: 2024-10-24. Review status: criteria provided, single submitter. Criteria: Invitae Variant Classification Sherloc (09022015). Collection method: clinical testing. Allele origin: germline.
Comment: This sequence change replaces phenylalanine, which is neutral and non-polar, with cysteine, which is neutral and slightly polar, at codon 807 of the COL4A2 protein (p.Phe807Cys). This variant is present in population databases (no rsID available, gnomAD 0.002%). This variant has not been reported in the literature in individuals affected with COL4A2-related conditions. Invitae Evidence Modeling of protein sequence and biophysical properties (such as structural, functional, and spatial information, amino acid conservation, physicochemical variation, residue mobility, and thermodynamic stability) indicates that this missense variant is not expected to disrupt COL4A2 protein function with a negative predictive value of 95%. In summary, the available evidence is currently insufficient to determine the role of this variant in disease. Therefore, it has been classified as a Variant of Uncertain Significance.